The following is an entry in ClinVar:

NM_001256447.2(BCAP31):c.601+9C>T

Gene: BCAP31 (B cell receptor associated protein 31; minus strand). Cytogenetic location: Xq28.
Variant type: single nucleotide variant.
Coding change: c.601+9C>T on transcript NM_001256447.2 (MANE Select); 9 bases into the intron after coding-DNA position 601, C replaced by T.
Molecular consequence: intron variant.
Genome position (GRCh38, 1-based): chrX:153,702,926, G>A on the plus strand (C>T on the coding strand, the complement: BCAP31 is on the minus strand). VCF-style: chrX-153702926-G-A. GRCh37 (hg19) VCF-style: chrX-152968381-G-A.
Other names: c.601+9C>T (NM_001139441.1, NM_005745.8); c.802+9C>T (NM_001139457.2).
Identifiers: ClinVar variation 705775 (VCV000705775.12), dbSNP rs199931089, ClinGen allele CA10549740.

ClinVar aggregate classification (germline): Likely benign. Review status: criteria provided, multiple submitters, no conflicts (2 of 4 stars). 3 submissions from 3 submitters: Likely benign (2). 1 of the submissions does not count toward it. Last evaluated 2026-01-26.

Conditions:
BCAP31-related disorder. Also called: BCAP31-related condition.

Allele frequency attached by ClinVar (database versions not stated): ExAC 0.00096; gnomAD 0.00096 and 0.00100; TOPMed 0.00101; ESP Exome Variant Server 0.00189.
gnomAD v4.1: 1,787 of 1,208,065 alleles (0.15%); highest among the groups gnomAD compares: Non-Finnish European, 0.19%; 1 homozygote.

Submissions (3):

Labcorp Genetics (formerly Invitae), Labcorp
Classification: Likely benign. Last evaluated: 2026-01-26. Review status: criteria provided, single submitter. Criteria: Invitae Variant Classification Sherloc (09022015). Collection method: clinical testing. Allele origin: germline.

Blueprint Genetics
Classification: Likely benign. Last evaluated: 2024-10-28. Review status: criteria provided, single submitter. Criteria: ACMG Guidelines, 2015. Collection method: clinical testing. Allele origin: germline.

PreventionGenetics, part of Exact Sciences
Classification: Likely benign for BCAP31-related condition. Last evaluated: 2024-01-22. Review status: no assertion criteria provided. Collection method: clinical testing. Allele origin: germline. Not counted in ClinVar's aggregate classification.
Comment: This variant is classified as likely benign based on ACMG/AMP sequence variant interpretation guidelines (Richards et al. 2015 PMID: 25741868, with internal and published modifications).